The following is an entry in ClinVar:

NM_004380.3(CREBBP):c.3517C>T (p.Arg1173Ter)

Gene: CREBBP (CREB binding lysine acetyltransferase; minus strand). Cytogenetic location: 16p13.3.
Variant type: single nucleotide variant.
Coding change: c.3517C>T on transcript NM_004380.3 (MANE Select); coding-DNA position 3517, C replaced by T.
Protein change: p.Arg1173Ter; replaces arginine 1173 with a stop codon.
Molecular consequence: nonsense.
Genome position (GRCh38, 1-based): chr16:3,757,901, G>A on the plus strand (C>T on the coding strand, the complement: CREBBP is on the minus strand). VCF-style: chr16-3757901-G-A. GRCh37 (hg19) VCF-style: chr16-3807902-G-A.
Other names: c.3403C>T, p.Arg1135Ter (NM_001079846.1); c.3517C>T (NM_004380.2); short protein forms R1135*, R1173*.
Identifiers: ClinVar variation 2435820 (VCV002435820.6), dbSNP rs2151383341, ClinGen allele CA394568751.

ClinVar aggregate classification (germline): Pathogenic. Review status: criteria provided, multiple submitters, no conflicts (2 of 4 stars). 3 submissions from 3 submitters: Pathogenic (3). Last evaluated 2024-09-20.

Conditions:
Rubinstein-Taybi syndrome due to CREBBP mutations (RSTS1). Also called: BROAD THUMB-HALLUX SYNDROME; Rubinstein-Taybi syndrome 1; RUBINSTEIN-TAYBI SYNDROME 1, INCOMPLETE; BROAD THUMBS AND GREAT TOES, CHARACTERISTIC FACIES, AND IMPAIRED INTELLECTUAL DEVELOPMENT; CREBBP-Related Rubinstein-Taybi Syndrome; RUBINSTEIN SYNDROME. Identifiers: Orphanet 353277, Orphanet 783, MedGen C4551859, MONDO:0008393, OMIM 180849.

Submissions (3):

Victorian Clinical Genetics Services, Murdoch Childrens Research Institute
Classification: Pathogenic for Rubinstein-Taybi syndrome due to CREBBP mutations. Last evaluated: 2024-09-20. Review status: criteria provided, single submitter. Criteria: ACMG Guidelines, 2015. Collection method: clinical testing. Allele origin: germline. Inheritance: Autosomal dominant inheritance. Affected: yes.
Comment: Based on the classification scheme VCGS_Germline_v1.3.4, this variant is classified as Pathogenic. Following criteria are met: 0102 - Loss of function is a known mechanism of disease in this gene and is associated with Menke-Hennekam syndrome 1 (MIM#618332) and Rubinstein-Taybi syndrome 1 (MIM#180849). (I) 0107 - This gene is associated with autosomal dominant disease. (I) 0201 - Variant is predicted to cause nonsense-mediated decay (NMD) and loss of protein (premature termination codon is located at least 54 nucleotides upstream of the final exon-exon junction). (SP) 0251 - This variant is heterozygous. (I) 0301 - Variant is absent from gnomAD (both v2 and v3). (SP) 0701 - Other NMD-predicted variants comparable to the one identified in this case have very strong previous evidence for pathogenicity. Many NMD-predicted variants have previously been reported as pathogenic in patients with Rubinstein-Taybi syndrome (DECIPHER). (SP) 0802 - This variant has moderate previous evidence of pathogenicity in unrelated individuals. This variant has been reported in three individuals with Rubinstein-Taybi syndrome, one of which is confirmed de novo (PMIDs: 17052327, 26788536, 31566936). (SP) 1007 - No published functional evidence has been identified for this variant. (SP) Legend: (SP) - Supporting pathogenic, (I) - Information, (SB) - Supporting benign

GeneDx
Classification: Pathogenic. Last evaluated: 2023-10-11. Review status: criteria provided, single submitter. Criteria: GeneDx Variant Classification Process June 2021. Collection method: clinical testing. Allele origin: germline. Affected: yes.
Comment: Nonsense variant predicted to result in protein truncation or nonsense mediated decay in a gene for which loss of function is a known mechanism of disease; Not observed at significant frequency in large population cohorts (gnomAD); This variant is associated with the following publications: (PMID: 25525159, 17052327)

Revvity Omics, Revvity
Classification: Pathogenic. Last evaluated: 2022-05-24. Review status: criteria provided, single submitter. Criteria: ACMG Guidelines, 2015. Collection method: clinical testing. Allele origin: germline.

Literature cited by the submitters: PubMed 17052327 (cited by Victorian Clinical Genetics Services, Murdoch Childrens Research Institute); PubMed 26788536 (cited by Victorian Clinical Genetics Services, Murdoch Childrens Research Institute); PubMed 31566936 (cited by Victorian Clinical Genetics Services, Murdoch Childrens Research Institute).